The following is an entry in ClinVar:

ClinVar aggregate classification (germline): Uncertain significance (1 of 4 stars; one submission).

Allele frequency attached by ClinVar (database versions not stated): gnomAD 0.00001; TOPMed 0.00002.
gnomAD v4.1: 6 of 1,613,184 alleles (0.00037%); highest among the groups gnomAD compares: African/African-American, 0.0067%; no homozygotes.

Submission:

Labcorp Genetics (formerly Invitae), Labcorp
Classification: Uncertain significance. Last evaluated: 2022-06-01. Review status: criteria provided, single submitter. Criteria: Invitae Variant Classification Sherloc (09022015). Collection method: clinical testing. Allele origin: germline.
Comment: Algorithms developed to predict the effect of missense changes on protein structure and function output the following: SIFT: "Tolerated"; PolyPhen-2: "Benign"; Align-GVGD: "Class C0". The serine amino acid residue is found in multiple mammalian species, which suggests that this missense change does not adversely affect protein function. In summary, the available evidence is currently insufficient to determine the role of this variant in disease. Therefore, it has been classified as a Variant of Uncertain Significance. This variant has not been reported in the literature in individuals affected with ACE-related conditions. This sequence change replaces alanine, which is neutral and non-polar, with serine, which is neutral and polar, at codon 866 of the ACE protein (p.Ala866Ser). This variant is present in population databases (no rsID available, gnomAD 0.01%).

NM_000789.4(ACE):c.2596G>T (p.Ala866Ser)

Gene: ACE (angiotensin I converting enzyme; plus strand). Cytogenetic location: 17q23.3.
Variant type: single nucleotide variant.
Coding change: c.2596G>T on transcript NM_000789.4 (MANE Select); coding-DNA position 2596, G replaced by T.
Protein change: p.Ala866Ser; replaces alanine 866 with serine.
Molecular consequence: missense variant. On other transcripts: non-coding transcript variant (1), intron variant (1).
Genome position (GRCh38, 1-based): chr17:63,489,087, G>T. VCF-style: chr17-63489087-G-T. GRCh37 (hg19) VCF-style: chr17-61566448-G-T.
Other names: c.874G>T, p.Ala292Ser (NM_001178057.2, NM_152830.3); c.2029G>T, p.Ala677Ser (NM_001382700.1); c.1744G>T, p.Ala582Ser (NM_001382701.1); c.379+296G>T (NM_001382702.1); short protein forms A677S, A292S, A582S, A866S.
Identifiers: ClinVar variation 1928515 (VCV001928515.5), dbSNP rs1037068942, ClinGen allele CA292884027.
Genomic context (GRCh38, chr17:63,489,087, plus strand): 5'-CAGCCACTCTACCTCAACCTGCATGCCTACGTGCGCCGGGCCCTGCACCGTCACTACGGG[G>T]CCCAGCACATCAACCTGGAGGGGCCCATTCCTGCTCACCTGCTGGGTAAGGGCACATGTC-3'
Protein context (NP_000780.1, residues 856-876): VRRALHRHYG[Ala866Ser]QHINLEGPIP